The following is an entry in ClinVar:

NM_001567.4(INPPL1):c.2321T>C (p.Leu774Pro)

Gene: INPPL1 (inositol polyphosphate phosphatase like 1; plus strand). Cytogenetic location: 11q13.4.
Variant type: single nucleotide variant.
Coding change: c.2321T>C on transcript NM_001567.4 (MANE Select); coding-DNA position 2321, T replaced by C.
Protein change: p.Leu774Pro; replaces leucine 774 with proline.
Molecular consequence: missense variant.
Genome position (GRCh38, 1-based): chr11:72,234,389, T>C. VCF-style: chr11-72234389-T-C. GRCh37 (hg19) VCF-style: chr11-71945433-T-C.
Other names: short protein forms L774P.
Identifiers: ClinVar variation 1489498 (VCV001489498.8), dbSNP rs2135438039, ClinGen allele CA381734204.
Genomic context (GRCh38, chr11:72,234,389, plus strand): 5'-AGGCCATTGTGAAGACAGCCAGCCGCACCAAGTTCTTCATCGAGTTCTACTCTACCTGCC[T>C]GGAGGGTCAGAGGCGTGGCAGGGGCTGGGTGTGGGCCAAGGAGGATGGGAGGCAAGAGGG-3'
Protein context (NP_001558.3, residues 764-784): KFFIEFYSTC[Leu774Pro]EEYKKSFEND

ClinVar aggregate classification (germline): Uncertain significance (1 of 4 stars; one submission).

Submission:

Labcorp Genetics (formerly Invitae), Labcorp
Classification: Uncertain significance. Last evaluated: 2022-08-16. Review status: criteria provided, single submitter. Criteria: Invitae Variant Classification Sherloc (09022015). Collection method: clinical testing. Allele origin: germline.
Comment: This sequence change replaces leucine, which is neutral and non-polar, with proline, which is neutral and non-polar, at codon 774 of the INPPL1 protein (p.Leu774Pro). This variant is not present in population databases (gnomAD no frequency). This variant has not been reported in the literature in individuals affected with INPPL1-related conditions. ClinVar contains an entry for this variant (Variation ID: 1489498). Algorithms developed to predict the effect of missense changes on protein structure and function are either unavailable or do not agree on the potential impact of this missense change (SIFT: "Deleterious"; PolyPhen-2: "Probably Damaging"; Align-GVGD: "Class C0"). In summary, the available evidence is currently insufficient to determine the role of this variant in disease. Therefore, it has been classified as a Variant of Uncertain Significance.